The following is an entry in ClinVar:

NM_000059.4(BRCA2):c.6635_6636del (p.Cys2212fs)

Gene: BRCA2 (BRCA2 DNA repair associated; plus strand). Cytogenetic location: 13q13.1.
Variant type: Deletion.
Coding change: c.6635_6636del on transcript NM_000059.4 (MANE Select); coding-DNA positions 6635 to 6636, 2 bases deleted (GT; older notation c.6635_6636delGT).
Protein change: p.Cys2212fs; shifts the reading frame from cysteine 2212.
Molecular consequence: frameshift variant.
Genome position (GRCh38, 1-based): chr13:32,340,990-32,340,991, GT deleted; deleting any 2 consecutive bases within chr13:32,340,989-32,340,991 gives the same sequence; the c. name uses the placement nearest the transcript's 3' end. VCF-style (leftmost placement, unchanged base first): chr13-32340988-TTG-T. GRCh37 (hg19) VCF-style: chr13-32915125-TTG-T.
Other names: c.6635_6636delGT (NM_000059.3); short protein forms C2212fs.
Identifiers: ClinVar variation 52141 (VCV000052141.2), dbSNP rs397507872, ClinGen allele CA024234.

ClinVar aggregate classification (germline): Pathogenic. Review status: reviewed by expert panel (3 of 4 stars). 2 submissions from 2 submitters: Pathogenic (1). 1 of the submissions does not count toward it. Last evaluated 2017-12-15.

Conditions:
Familial cancer of breast. Also called: BREAST CANCER, FAMILIAL; Hereditary breast cancer; hereditary breast carcinoma. Identifiers: Orphanet 227535, MedGen C0346153, MONDO:0016419, OMIM 114480. Disease mechanism: loss of function.
Breast-ovarian cancer, familial, susceptibility to, 2 (BROVCA2). Also called: BRCA2 Hereditary Breast and Ovarian Cancer. Identifiers: Orphanet 145, MedGen C2675520, MONDO:0012933, OMIM 612555. Disease mechanism: loss of function.

Submissions (2):

Evidence-based Network for the Interpretation of Germline Mutant Alleles (ENIGMA)
Classification: Pathogenic for Breast-ovarian cancer, familial, susceptibility to, 2. Last evaluated: 2017-12-15. Review status: reviewed by expert panel. Criteria: ENIGMA BRCA1/2 Classification Criteria (2017-06-29). Collection method: curation. Allele origin: germline. Study: ENIGMA.
Comment: Variant allele predicted to encode a truncated non-functional protein.

ClinVar Staff, National Center for Biotechnology Information (NCBI)
No classification provided. Condition: Familial cancer of breast. Review status: no classification provided. Collection method: literature only. Allele origin: germline. Affected: yes. Not counted in ClinVar's aggregate classification.

Literature cited by the submitters: PubMed 16683254 (cited by ClinVar Staff, National Center for Biotechnology Information (NCBI)).